The following is an entry in ClinVar:

NM_000492.4(CFTR):c.274-7526T>A

Gene: CFTR (CF transmembrane conductance regulator; plus strand). Cytogenetic location: 7q31.2.
Variant type: single nucleotide variant.
Coding change: c.274-7526T>A on transcript NM_000492.4 (MANE Select); 7526 bases into the intron before coding-DNA position 274, T replaced by A.
Molecular consequence: intron variant.
Genome position (GRCh38, 1-based): chr7:117,523,373, T>A. VCF-style: chr7-117523373-T-A. GRCh37 (hg19) VCF-style: chr7-117163427-T-A.
Identifiers: ClinVar variation 1704382 (VCV001704382.2), dbSNP rs936563831, ClinGen allele CA164942254.
Genomic context (GRCh38, chr7:117,523,373, plus strand): 5'-AGCCCTTGCACTCCAGCCCAAGCAACAAAGCAAGACTGTCTCTGAATTTTTGTTTTGTTT[T>A]GTTTTTTGTTTTTTTTTTTTTGAGACAGAGTCTTGCTCTGTCACCCAGGCTGAAGTGCAG-3'

ClinVar aggregate classification (germline): Conflicting classifications of pathogenicity. Review status: criteria provided, conflicting classifications (1 of 4 stars). 2 submissions from 2 submitters: Uncertain significance (1); Likely benign (1). Last evaluated 2025-04-22.

Conditions:
Cystic fibrosis (CF). Also called: MUCOVISCIDOSIS. Identifiers: Orphanet 586, MedGen C0010674, MONDO:0009061, OMIM 219700. Disease mechanism: loss of function.

Allele frequency attached by ClinVar (database versions not stated): TOPMed 0.00005; gnomAD 0.00003.
gnomAD v4.1: 4 of 140,538 alleles (0.0028%); highest among the groups gnomAD compares: Non-Finnish European, 0.0062%; no homozygotes.

Submissions (2):

Greenwood Genetic Center Diagnostic Laboratories, Greenwood Genetic Center
Classification: Uncertain significance. Last evaluated: 2025-04-22. Review status: criteria provided, single submitter. Criteria: ACMG Guidelines, 2015. Collection method: clinical testing. Allele origin: germline. Affected: yes.
Comment: PM2

Johns Hopkins Genomics, Johns Hopkins University
Classification: Likely benign for Cystic fibrosis. Last evaluated: 2022-01-20. Review status: criteria provided, single submitter. Criteria: ACMG Guidelines, 2015. Collection method: clinical testing. Allele origin: germline.